The following is an entry in ClinVar:

ClinVar aggregate classification (germline): Uncertain significance (1 of 4 stars; one submission).

Conditions:
Immunodeficiency 45 (IMD45). Identifiers: MedGen C4225252, MONDO:0014727, OMIM 616669.

Allele frequency attached by ClinVar (database versions not stated): TOPMed 0.00006; gnomAD exomes 0.00007.
gnomAD v4.1: 98 of 1,481,396 alleles (0.0066%); highest among the groups gnomAD compares: Non-Finnish European, 0.0087%; no homozygotes.

Submission:

Baylor Genetics
Classification: Uncertain significance for Immunodeficiency 45. Last evaluated: 2020-07-30. Review status: criteria provided, single submitter. Criteria: ACMG Guidelines, 2015. Collection method: clinical testing. Allele origin: paternal. Affected: yes.
Comment: This variant was determined to be of uncertain significance according to ACMG Guidelines, 2015 [PMID:25741868].

NM_001289125.3(IFNAR2):c.841-102G>A

Genes: IFNAR2 (interferon alpha and beta receptor subunit 2; plus strand), IFNAR2-IL10RB (IFNAR2-IL10RB readthrough; plus strand). Cytogenetic location: 21q22.11.
Variant type: single nucleotide variant.
Coding change: c.841-102G>A on transcript NM_001289125.3 (MANE Select); 102 bases into the intron before coding-DNA position 841, G replaced by A.
Molecular consequence: intron variant. On other transcripts: missense variant (2), 3 prime UTR variant (1).
Genome position (GRCh38, 1-based): chr21:33,262,691, G>A. VCF-style: chr21-33262691-G-A. GRCh37 (hg19) VCF-style: chr21-34634996-G-A.
Other names: c.971G>A, p.Arg324His (NM_000874.5, NM_207584.3); c.*114G>A (NM_001385054.1); c.710-102G>A (NM_001289128.2, NM_001289126.2); c.841-102G>A (NM_207585.3, NM_001385055.1); short protein forms R324H.
Identifiers: ClinVar variation 1029538 (VCV001029538.1), dbSNP rs777044815, ClinGen allele CA10005832.